The following is an entry in ClinVar:

NM_021614.4(KCNN2):c.698G>T (p.Arg233Leu)

Gene: KCNN2 (potassium calcium-activated channel subfamily N member 2; plus strand). Cytogenetic location: 5q22.3.
Variant type: single nucleotide variant.
Coding change: c.698G>T on transcript NM_021614.4 (MANE Select); coding-DNA position 698, G replaced by T.
Protein change: p.Arg233Leu; replaces arginine 233 with leucine.
Molecular consequence: missense variant. On other transcripts: non-coding transcript variant (1).
Genome position (GRCh38, 1-based): chr5:114,362,837, G>T. VCF-style: chr5-114362837-G-T. GRCh37 (hg19) VCF-style: chr5-113698534-G-T.
Other names: c.62G>T (NM_021614.2); c.896G>T, p.Arg299Leu (NM_001372233.1); short protein forms R233L, R299L.
Identifiers: ClinVar variation 2175041 (VCV002175041.5), dbSNP rs756620223, ClinGen allele CA3372756.

ClinVar aggregate classification (germline): Uncertain significance. Review status: criteria provided, multiple submitters, no conflicts (2 of 4 stars). 2 submissions from 2 submitters: Uncertain significance (2). Last evaluated 2025-11-26.

Conditions:
Inborn genetic diseases. Identifiers: MedGen C0950123, MeSH D030342.

Allele frequency attached by ClinVar (database versions not stated): ExAC 0.00001; gnomAD 0.00001.
gnomAD v4.1: 9 of 1,599,790 alleles (0.00056%); highest among the groups gnomAD compares: Middle Eastern, 0.033%; no homozygotes.

Submissions (2):

Ambry Genetics
Classification: Uncertain significance for Inborn genetic diseases. Last evaluated: 2025-11-26. Review status: criteria provided, single submitter. Criteria: Ambry Variant Classification Scheme 2023. Collection method: clinical testing. Allele origin: germline.

Labcorp Genetics (formerly Invitae), Labcorp
Classification: Uncertain significance. Last evaluated: 2022-07-25. Review status: criteria provided, single submitter. Criteria: Invitae Variant Classification Sherloc (09022015). Collection method: clinical testing. Allele origin: germline.
Comment: This sequence change replaces arginine, which is basic and polar, with leucine, which is neutral and non-polar, at codon 21 of the KCNN2 protein (p.Arg21Leu). The frequency data for this variant in the population databases is considered unreliable, as metrics indicate poor data quality at this position in the gnomAD database. In summary, the available evidence is currently insufficient to determine the role of this variant in disease. Therefore, it has been classified as a Variant of Uncertain Significance. Algorithms developed to predict the effect of missense changes on protein structure and function are either unavailable or do not agree on the potential impact of this missense change (SIFT: "Tolerated"; PolyPhen-2: "Possibly Damaging"; Align-GVGD: "Class C0"). This variant has not been reported in the literature in individuals affected with KCNN2-related conditions.